The following is an entry in ClinVar:

ClinVar aggregate classification (germline): Uncertain significance (1 of 4 stars; one submission).

Allele frequency attached by ClinVar (database versions not stated): TOPMed 0.00001.
gnomAD v4.1: 1 of 1,614,274 alleles (0.000062%); no homozygotes.

Submission:

Labcorp Genetics (formerly Invitae), Labcorp
Classification: Uncertain significance. Last evaluated: 2024-11-04. Review status: criteria provided, single submitter. Criteria: Invitae Variant Classification Sherloc (09022015). Collection method: clinical testing. Allele origin: germline.
Comment: This sequence change replaces alanine, which is neutral and non-polar, with valine, which is neutral and non-polar, at codon 1418 of the CEP250 protein (p.Ala1418Val). This variant is not present in population databases (gnomAD no frequency). This variant has not been reported in the literature in individuals affected with CEP250-related conditions. ClinVar contains an entry for this variant (Variation ID: 1957710). An algorithm developed to predict the effect of missense changes on protein structure and function (PolyPhen-2) suggests that this variant is likely to be disruptive. In summary, the available evidence is currently insufficient to determine the role of this variant in disease. Therefore, it has been classified as a Variant of Uncertain Significance.

NM_007186.6(CEP250):c.4253C>T (p.Ala1418Val)

Gene: CEP250 (centrosomal protein 250; plus strand). Cytogenetic location: 20q11.22.
Variant type: single nucleotide variant.
Coding change: c.4253C>T on transcript NM_007186.6 (MANE Select); coding-DNA position 4253, C replaced by T.
Protein change: p.Ala1418Val; replaces alanine 1418 with valine.
Molecular consequence: missense variant.
Genome position (GRCh38, 1-based): chr20:35,502,622, C>T. VCF-style: chr20-35502622-C-T. GRCh37 (hg19) VCF-style: chr20-34090450-C-T.
Other names: c.2357C>T, p.Ala786Val (NM_001318219.1); short protein forms A1418V, A786V.
Identifiers: ClinVar variation 1957710 (VCV001957710.5), dbSNP rs2064042777, ClinGen allele CA408747791.